The following is an entry in ClinVar:

NM_032119.4(ADGRV1):c.6274A>C (p.Ile2092Leu)

Gene: ADGRV1 (adhesion G protein-coupled receptor V1; plus strand). Cytogenetic location: 5q14.3.
Variant type: single nucleotide variant.
Coding change: c.6274A>C on transcript NM_032119.4 (MANE Select); coding-DNA position 6274, A replaced by C.
Protein change: p.Ile2092Leu; replaces isoleucine 2092 with leucine.
Molecular consequence: missense variant. On other transcripts: non-coding transcript variant (1).
Genome position (GRCh38, 1-based): chr5:90,684,195, A>C. VCF-style: chr5-90684195-A-C. GRCh37 (hg19) VCF-style: chr5-89980012-A-C.
Other names: short protein forms I2092L.
Identifiers: ClinVar variation 1064891 (VCV001064891.3), dbSNP rs2149586553, ClinGen allele CA360414503.
Genomic context (GRCh38, chr5:90,684,195, plus strand): 5'-GAATCTGTCTTTATCGAACTACTCAACTCTACTTTAGTAGCGAAAGTACAGAGTCGTTCA[A>C]GTAAGTATCCCTTAGTGTGTTATTATTATTATTAGCTCTCAGAATCCTGAAACAATCAGT-3'
Protein context (NP_115495.3, residues 2082-2102): TLVAKVQSRS[Ile2092Leu]PNSPRLGPKV

ClinVar aggregate classification (germline): Uncertain significance (1 of 4 stars; one submission).

Conditions:
Hearing impairment. Also called: Impaired Hearing. Identifiers: MedGen C1384666, MONDO:0005365, HP:0000365.

Submission:

Department of Otolaryngology – Head & Neck Surgery, Cochlear Implant Center
Classification: Uncertain significance for Hearing impairment. Last evaluated: 2021-04-12. Review status: criteria provided, single submitter. Criteria: ClinGen HL ACMG Specifications v1. Collection method: clinical testing. Allele origin: germline. Affected: yes.
Comment: PM2_Moderate